The following is an entry in ClinVar:

ClinVar aggregate classification (germline): Uncertain significance (1 of 4 stars; one submission).

Allele frequency attached by ClinVar (database versions not stated): ESP Exome Variant Server 0.00046; gnomAD exomes 0.00001; ExAC 0.00006; TOPMed 0.00028; 1000 Genomes Project 30x 0.00031; 1000 Genomes Project 0.00040; gnomAD 0.00029.

Submission:

Labcorp Genetics (formerly Invitae), Labcorp
Classification: Uncertain significance. Last evaluated: 2025-02-28. Review status: criteria provided, single submitter. Criteria: Invitae Variant Classification Sherloc (09022015). Collection method: clinical testing. Allele origin: germline.
Comment: This sequence change replaces glutamine, which is neutral and polar, with arginine, which is basic and polar, at codon 235 of the THPO protein (p.Gln235Arg). This variant is present in population databases (rs144399926, gnomAD 0.09%). This variant has not been reported in the literature in individuals affected with THPO-related conditions. ClinVar contains an entry for this variant (Variation ID: 2698347). Invitae Evidence Modeling of protein sequence and biophysical properties (such as structural, functional, and spatial information, amino acid conservation, physicochemical variation, residue mobility, and thermodynamic stability) indicates that this missense variant is not expected to disrupt THPO protein function with a negative predictive value of 80%. In summary, the available evidence is currently insufficient to determine the role of this variant in disease. Therefore, it has been classified as a Variant of Uncertain Significance.

NM_000460.4(THPO):c.704A>G (p.Gln235Arg)

Gene: THPO (thrombopoietin; minus strand). Cytogenetic location: 3q27.1.
Variant type: single nucleotide variant.
Coding change: c.704A>G on transcript NM_000460.4 (MANE Select); coding-DNA position 704, A replaced by G.
Protein change: p.Gln235Arg; replaces glutamine 235 with arginine.
Molecular consequence: missense variant. On other transcripts: synonymous variant (4).
Genome position (GRCh38, 1-based): chr3:184,372,871, T>C on the plus strand (A>G on the coding strand, the complement: THPO is on the minus strand). VCF-style: chr3-184372871-T-C. GRCh37 (hg19) VCF-style: chr3-184090659-T-C.
Other names: c.692A>G, p.Gln231Arg (NM_001177597.2, NM_001290022.1); c.687A>G, p.Pro229= (NM_001177598.2, NM_001290026.1); c.588A>G, p.Pro196= (NM_001289997.1, NM_001290027.1); c.704A>G, p.Gln235Arg (NM_001289998.1, NM_001290028.1); c.1124A>G, p.Gln375Arg (NM_001290003.1); short protein forms Q231R, Q235R, Q375R.
Identifiers: ClinVar variation 2698347 (VCV002698347.3), dbSNP rs144399926, ClinGen allele CA2734886.
Genomic context (GRCh38, chr3:184,372,871, plus strand): 5'-TTCAAGAGTTCGTGTATCCTGTTCAGGTATCCGGGGATTTGGTCCAGGGACCTGGAGGTT[T>C]GGTTCAGCAGACCAGGAATCTTGGCTCTGAATCCCTGCTGCCACTTCAGAAGCCCAGAGC-3'
Protein context (NP_000451.1, residues 225-245): FRAKIPGLLN[Gln235Arg]TSRSLDQIPG